The following continues an entry in ClinVar:

NM_001130987.2(DYSF):c.3191G>A (p.Arg1064His)

Gene: DYSF. ClinVar aggregate classification (germline): Pathogenic. Pathogenic (1).

Submissions 11 to 14 of 14:

Neuberg Centre For Genomic Medicine, NCGM
Classification: Likely pathogenic for Autosomal recessive limb-girdle muscular dystrophy type 2B. Review status: criteria provided, single submitter. Criteria: ACMG Guidelines, 2015. Collection method: clinical testing. Allele origin: germline. Affected: yes. Not counted in ClinVar's aggregate classification.
Comment: The missense variant p.R1046H in DYSF (NM_003494.4) has been reported previously in compound heterozygous state in affected individuals (Krahn M et al; Charavorty S et al). The variant has been submitted to ClinVar as Pathogenic/Likely Pathogenic. The p.R1046H (0.002%)variant is observed in 6 alleles in heterozygous state in the gnomAD database and has not been observed in homozygous state. The p.R1046H missense variant is predicted to be damaging by both SIFT and PolyPhen2. The arginine residue at codon 1046 of DYSF is conserved in all mammalian species. The nucleotide c.3137 in DYSF is predicted conserved by GERP++ and PhyloP across 100 vertebrates. For these reasons, this variant has been classified as Likely Pathogenic.

Neuberg Centre For Genomic Medicine, NCGM
Classification: Pathogenic for Miyoshi muscular dystrophy 1. Review status: criteria provided, single submitter. Criteria: ACMG Guidelines, 2015. Collection method: clinical testing. Allele origin: germline. Inheritance: Autosomal recessive inheritance. Affected: yes. Not counted in ClinVar's aggregate classification.
Comment: The variant c.3191G>A(p.Arg1064His) in DYSF gene has been observed in homozygous or compound heterozygous state in several individuals affected with Miyoshi myopathy and was observed to segregate with disease in a family (Xi J et al). The amino acid Arg at position 1064 is changed to a His changing protein sequence and it might alter its composition and physico-chemical properties. The variant has been reported with the allele frequency of 0.002128% in gnomAD and is novel (not in any individual) in 1000 GenomeS. This variant has been reported to the ClinVar database as Pathogenic. The variant is predicted to be damaging by both SIFT and PolyPhen2. The residue is conserved across species. The amino acid change p.Arg1064His in DYSF is predicted as conserved by GERP++ and PhyloP across 100 vertebrates. For these reasons, this variant has been classified as pathogenic.

Counsyl
Classification: Likely pathogenic for Autosomal recessive limb-girdle muscular dystrophy type 2B. Last evaluated: 2017-02-10. Review status: no assertion criteria provided. Collection method: clinical testing. Allele origin: unknown. Not counted in ClinVar's aggregate classification.

OMIM
Classification: Pathogenic for MIYOSHI MUSCULAR DYSTROPHY 1. Last evaluated: 2003-06-10. Review status: no assertion criteria provided. Collection method: literature only. Allele origin: germline. Not counted in ClinVar's aggregate classification.

Literature cited by the submitters: PubMed 35028538 (cited by ClinGen Limb Girdle Muscular Dystrophy Variant Curation Expert Panel, ClinGen); PubMed 11468312 (cited by 5 submitters); PubMed 18853459 (cited by 3 submitters); PubMed 25591676 (cited by Labcorp Genetics (formerly Invitae), Labcorp); PubMed 27647186 (cited by 3 submitters); PubMed 24488599 (cited by Natera, Inc.); PubMed 15835269 (cited by Counsyl); PubMed 12796534 (cited by OMIM).